The following is an entry in ClinVar:

NM_001378457.1(DMXL2):c.1419T>C (p.Ser473=)

Gene: DMXL2 (Dmx like 2; minus strand). Cytogenetic location: 15q21.2.
Variant type: single nucleotide variant.
Coding change: c.1419T>C on transcript NM_001378457.1 (MANE Select); coding-DNA position 1419, T replaced by C.
Protein change: p.Ser473=; no amino-acid change (serine 473 retained).
Molecular consequence: synonymous variant. On other transcripts: non-coding transcript variant (2).
Genome position (GRCh38, 1-based): chr15:51,537,686, A>G on the plus strand (T>C on the coding strand, the complement: DMXL2 is on the minus strand). VCF-style: chr15-51537686-A-G. GRCh37 (hg19) VCF-style: chr15-51829883-A-G.
Other names: c.1419T>C, p.Ser473= (NM_001174116.3, NM_001174117.3, NM_001378458.1 and 6 more transcripts); c.1179T>C, p.Ser393= (NM_001378464.1).
Identifiers: ClinVar variation 5041447 (VCV005041447.1).

ClinVar aggregate classification (germline): Likely benign (1 of 4 stars; one submission).

Submission:

CeGaT Center for Human Genetics Tuebingen
Classification: Likely benign. Last evaluated: 2026-09-01. Review status: criteria provided, single submitter. Criteria: CeGaT Center For Human Genetics Tuebingen Variant Classification Criteria Version 2. Collection method: clinical testing. Allele origin: germline. Affected: yes. Observed: 1 variant allele.
Comment: DMXL2: BP4, BP7